The following is an entry in ClinVar:

ClinVar aggregate classification (germline): Conflicting classifications of pathogenicity. Review status: criteria provided, conflicting classifications (1 of 4 stars). 5 submissions from 5 submitters: Uncertain significance (3); Likely benign (1). 1 of the submissions does not count toward it. Last evaluated 2025-11-23.

Conditions:
MYOT-related disorder. Also called: MYOT-related condition.
Myofibrillar myopathy 3 (MFM3). Also called: Muscular dystrophy, proximal, type 1A; Autosomal dominant spheroid body myopathy. Identifiers: Orphanet 266, Orphanet 268129, MedGen C3714934, MONDO:0012215, OMIM 609200.

Submissions (5):

Labcorp Genetics (formerly Invitae), Labcorp
Classification: Uncertain significance for Myofibrillar myopathy 3. Last evaluated: 2025-11-23. Review status: criteria provided, single submitter. Criteria: Invitae Variant Classification Sherloc (09022015). Collection method: clinical testing. Allele origin: germline.
Comment: This sequence change creates a premature translational stop signal (p.Val227Glufs*10) in the MYOT gene. It is expected to result in an absent or disrupted protein product. However, the current clinical and genetic evidence is not sufficient to establish whether loss-of-function variants in MYOT cause disease. This variant is present in population databases (rs775014749, gnomAD 0.01%). This variant has not been reported in the literature in individuals affected with MYOT-related conditions. ClinVar contains an entry for this variant (Variation ID: 943798). In summary, the available evidence is currently insufficient to determine the role of this variant in disease. Therefore, it has been classified as a Variant of Uncertain Significance.

Women's Health and Genetics/Laboratory Corporation of America, LabCorp
Classification: Uncertain significance. Last evaluated: 2024-11-11. Review status: criteria provided, single submitter. Criteria: LabCorp Variant Classification Summary - May 2015. Collection method: clinical testing. Allele origin: germline.
Comment: Variant summary: MYOT c.680_683delTAAG (p.Val227GlufsX10) results in a premature termination codon, predicted to cause a truncation of the encoded protein or absence of the protein due to nonsense mediated decay, however current evidence is not sufficient to establish loss of function as a mechanism for disease. Consensus agreement among computation tools predict no significant impact on normal splicing. However, these predictions have yet to be confirmed by functional studies. The variant allele was found at a frequency of 4e-05 in 249698 control chromosomes, predominantly at a frequency of 0.00013 within the South Asian subpopulation in the gnomAD database. The available data on variant occurrences in the general population are insufficient to allow any conclusion about variant significance. To our knowledge, no occurrence of c.680_683delTAAG in individuals affected with Spheroid Body Myopathy and no experimental evidence demonstrating its impact on protein function have been reported. ClinVar contains an entry for this variant (Variation ID: 943798). Based on the evidence outlined above, the variant was classified as uncertain significance.

Blueprint Genetics
Classification: Likely benign. Last evaluated: 2024-10-11. Review status: criteria provided, single submitter. Criteria: ACMG Guidelines, 2015. Collection method: clinical testing. Allele origin: germline.

Revvity Omics, Revvity
Classification: Uncertain significance for Myofibrillar myopathy 3. Last evaluated: 2024-07-17. Review status: criteria provided, single submitter. Criteria: ACMG Guidelines, 2015. Collection method: clinical testing. Allele origin: germline.

PreventionGenetics, part of Exact Sciences
Classification: Uncertain significance for MYOT-related condition. Last evaluated: 2024-07-20. Review status: no assertion criteria provided. Collection method: clinical testing. Allele origin: germline. Not counted in ClinVar's aggregate classification.
Comment: The MYOT c.680_683delTAAG variant is predicted to result in a frameshift and premature protein termination (p.Val227Glufs*10). To our knowledge, this variant has not been reported in the literature. This variant is reported in 0.013% of alleles in individuals of South Asian descent in gnomAD. This protein-truncating variant is located in exon five of ten. Although we suspect that this variant may be pathogenic, at this time, the clinical significance of this variant is uncertain due to the absence of conclusive functional and genetic evidence.

NM_006790.3(MYOT):c.680_683del (p.Val227fs)

Genes: MYOT (myotilin; plus strand), PKD2L2-DT (PKD2L2 divergent transcript; minus strand). Cytogenetic location: 5q31.2.
Variant type: Deletion.
Coding change: c.680_683del on transcript NM_006790.3 (MANE Select); coding-DNA positions 680 to 683, 4 bases deleted (TAAG; older notation c.680_683delTAAG).
Protein change: p.Val227fs; shifts the reading frame from valine 227.
Molecular consequence: frameshift variant.
Genome position (GRCh38, 1-based): chr5:137,880,862-137,880,865, TAAG deleted; deleting any 4 consecutive bases within chr5:137,880,859-137,880,865 gives the same sequence; the c. name uses the placement nearest the transcript's 3' end. VCF-style (leftmost placement, unchanged base first): chr5-137880858-CAAGT-C. GRCh37 (hg19) VCF-style: chr5-137216547-CAAGT-C.
Other names: c.128_131del, p.Val43fs (NM_001135940.2); c.335_338del, p.Val112fs (NM_001300911.2); c.680_683delTAAG (NM_006790.2, NM_006790.3); short protein forms V112fs, V43fs, V227fs.
Identifiers: ClinVar variation 943798 (VCV000943798.13), dbSNP rs775014749, ClinGen allele CA3423003.
Genomic context (GRCh38, chr5:137,880,858, plus strand): 5'-CTTTGTTTTAATTTCAAGCAACACAACTCAGAACATGCGCGACTGCAAGTTCCTACATCA[CAAGT>C]AAGGTAAAAAATTTTAATTTTAAAGAAATGTATGTTTTCCTATCTAAAATATTTTCAGCT-3'